The following is an entry in ClinVar:

ClinVar aggregate classification (germline): Conflicting classifications of pathogenicity. Review status: criteria provided, conflicting classifications (1 of 4 stars). 3 submissions from 3 submitters: Uncertain significance (2); Likely benign (1). Last evaluated 2026-09-16.

Conditions:
LEPR-related disorder. Also called: LEPR-related condition; LEPR-related disorders.
Obesity due to leptin receptor gene deficiency. Identifiers: Orphanet 179494, MedGen C3554225, MONDO:0013992, OMIM 614963.

Allele frequency attached by ClinVar (database versions not stated): gnomAD 0.00003 and 0.00005; TOPMed 0.00003; ExAC 0.00007; gnomAD exomes 0.00007; 1000 Genomes Project 30x 0.00016; 1000 Genomes Project 0.00020.
gnomAD v4.1: 71 of 1,607,062 alleles (0.0044%); highest among the groups gnomAD compares: Middle Eastern, 0.033%; no homozygotes.

Submissions (3):

PreventionGenetics, part of Exact Sciences
Classification: Uncertain significance for LEPR-related condition. Last evaluated: 2026-09-16. Review status: criteria provided, single submitter. Criteria: ACMG Guidelines, 2015. Collection method: clinical testing. Allele origin: germline.
Comment: The LEPR c.2221G>A variant is predicted to result in the amino acid substitution p.Val741Met. This variant was observed in a cohort of individuals with obesity, and in vitro functional studies showed activity similar to wild-type (Supplemental Data Set, Shah et al. 2023. PubMed ID: 36864747). In another functional study utilizing leptin activation, this variant was found to be associated with a significant reduction in LEPR activity (Delplanque et al. 2024. PubMed ID: 39561769). This variant is reported in 0.036% of alleles in individuals of South Asian descent in gnomAD. At this time, the clinical significance of this variant is uncertain due to the absence of conclusive functional and genetic evidence.

Labcorp Genetics (formerly Invitae), Labcorp
Classification: Likely benign. Last evaluated: 2023-05-03. Review status: criteria provided, single submitter. Criteria: Invitae Variant Classification Sherloc (09022015). Collection method: clinical testing. Allele origin: germline.

Centre for Mendelian Genomics, University Medical Centre Ljubljana
Classification: Uncertain significance for Obesity due to leptin receptor gene deficiency. Last evaluated: 2019-02-21. Review status: criteria provided, single submitter. Criteria: ACMG Guidelines, 2015. Collection method: clinical testing. Allele origin: unknown. Affected: yes.
Comment: This variant was classified as: Uncertain significance. The following ACMG criteria were applied in classifying this variant: PM2.

NM_002303.6(LEPR):c.2221G>A (p.Val741Met)

Gene: LEPR (leptin receptor; plus strand). Cytogenetic location: 1p31.3.
Variant type: single nucleotide variant.
Coding change: c.2221G>A on transcript NM_002303.6 (MANE Select); coding-DNA position 2221, G replaced by A.
Protein change: p.Val741Met; replaces valine 741 with methionine.
Molecular consequence: missense variant.
Genome position (GRCh38, 1-based): chr1:65,617,972, G>A. VCF-style: chr1-65617972-G-A. GRCh37 (hg19) VCF-style: chr1-66083655-G-A.
Other names: c.2221G>A, p.Val741Met (NM_001003679.3, NM_001003680.3, NM_001198687.2 and 2 more transcripts); short protein forms V741M.
Identifiers: ClinVar variation 931429 (VCV000931429.7), dbSNP rs532294036, ClinGen allele CA894977.